The following is an entry in ClinVar:

ClinVar aggregate classification (germline): Uncertain significance (1 of 4 stars; one submission).

Conditions:
Hereditary sensory and autonomic neuropathy type 6. Also called: HSAN VI; Neuropathy, hereditary sensory and autonomic, type VI. Identifiers: Orphanet 314381, MedGen C3539003, MONDO:0013839, OMIM 614653.
Epidermolysis bullosa simplex 3, localized or generalized intermediate, with BP230 deficiency (EBS3). Also called: Epidermolysis bullosa simplex, autosomal recessive 2; Epidermolysis bullosa simplex due to BP230 deficiency. Identifiers: Orphanet 412181, MedGen C3809470, MONDO:0014180, OMIM 615425.

Allele frequency attached by ClinVar (database versions not stated): gnomAD exomes below 0.00001; ExAC 0.00001; TOPMed 0.00002; gnomAD 0.00003.
gnomAD v4.1: 5 of 1,612,808 alleles (0.00031%); highest among the groups gnomAD compares: African/African-American, 0.0053%; no homozygotes.

Submission:

Labcorp Genetics (formerly Invitae), Labcorp
Classification: Uncertain significance for Epidermolysis bullosa simplex 3, localized or generalized intermediate, with BP230 deficiency; Hereditary sensory and autonomic neuropathy type 6. Last evaluated: 2024-11-18. Review status: criteria provided, single submitter. Criteria: Invitae Variant Classification Sherloc (09022015). Collection method: clinical testing. Allele origin: germline.
Comment: The DST gene has multiple clinically relevant transcripts. This variant occurs in alternate transcript NM_015548.4, and corresponds to NM_001723.5:c.*53979A>T in the primary transcript. This sequence change replaces isoleucine, which is neutral and non-polar, with phenylalanine, which is neutral and non-polar, at codon 2071 of the DST protein (p.Ile2071Phe). This variant is present in population databases (rs777186612, gnomAD 0.007%). This variant has not been reported in the literature in individuals affected with DST-related conditions. Experimental studies and prediction algorithms are not available or were not evaluated, and the functional significance of this variant is currently unknown. In summary, the available evidence is currently insufficient to determine the role of this variant in disease. Therefore, it has been classified as a Variant of Uncertain Significance.

NM_001374736.1(DST):c.14080A>T (p.Ile4694Phe)

Gene: DST (dystonin; minus strand). Cytogenetic location: 6p12.1.
Variant type: single nucleotide variant.
Coding change: c.14080A>T on transcript NM_001374736.1 (MANE Select); coding-DNA position 14080, A replaced by T.
Protein change: p.Ile4694Phe; replaces isoleucine 4694 with phenylalanine.
Molecular consequence: missense variant.
Genome position (GRCh38, 1-based): chr6:56,561,538, T>A on the plus strand (A>T on the coding strand, the complement: DST is on the minus strand). VCF-style: chr6-56561538-T-A. GRCh37 (hg19) VCF-style: chr6-56426336-T-A.
Other names: c.7723A>T, p.Ile2575Phe (NM_001144769.5); c.7309A>T, p.Ile2437Phe (NM_001144770.2); c.14080A>T, p.Ile4694Phe (NM_001374722.1); c.13447A>T, p.Ile4483Phe (NM_001374729.1); c.7189A>T, p.Ile2397Phe (NM_001374730.1, NM_001386100.1, NM_183380.4); c.14107A>T, p.Ile4703Phe (NM_001374734.1); c.6211A>T, p.Ile2071Phe (NM_015548.5); short protein forms I2575F, I4694F, I4703F, I2397F, I2437F, I4483F, I2071F.
Identifiers: ClinVar variation 2934865 (VCV002934865.3), dbSNP rs777186612, ClinGen allele CA3868096.